The following is an entry in ClinVar:

ClinVar aggregate classification (germline): Uncertain significance. Review status: criteria provided, multiple submitters, no conflicts (2 of 4 stars). 2 submissions from 2 submitters: Uncertain significance (2). Last evaluated 2025-10-04.

Allele frequency attached by ClinVar (database versions not stated): ExAC 0.00001; TOPMed 0.00002; gnomAD exomes 0.00001.
gnomAD v4.1: 15 of 1,209,746 alleles (0.0012%); highest among the groups gnomAD compares: African/African-American, 0.0087%; no homozygotes.

Submissions (2):

Labcorp Genetics (formerly Invitae), Labcorp
Classification: Uncertain significance. Last evaluated: 2025-10-04. Review status: criteria provided, single submitter. Criteria: Invitae Variant Classification Sherloc (09022015). Collection method: clinical testing. Allele origin: germline.
Comment: This sequence change replaces serine, which is neutral and polar, with arginine, which is basic and polar, at codon 724 of the TLR7 protein (p.Ser724Arg). This variant is present in population databases (rs775736639, gnomAD 0.001%). This variant has not been reported in the literature in individuals affected with TLR7-related conditions. ClinVar contains an entry for this variant (Variation ID: 2004490). An algorithm developed to predict the effect of missense changes on protein structure and function (PolyPhen-2) suggests that this variant is likely to be disruptive. In summary, the available evidence is currently insufficient to determine the role of this variant in disease. Therefore, it has been classified as a Variant of Uncertain Significance.

Ambry Genetics
Classification: Uncertain significance. Last evaluated: 2025-09-10. Review status: criteria provided, single submitter. Criteria: Ambry Variant Classification Scheme 2023. Collection method: clinical testing. Allele origin: germline.

NM_016562.4(TLR7):c.2172C>G (p.Ser724Arg)

Gene: TLR7 (toll like receptor 7; plus strand). Cytogenetic location: Xp22.2.
Variant type: single nucleotide variant.
Coding change: c.2172C>G on transcript NM_016562.4 (MANE Select); coding-DNA position 2172, C replaced by G.
Protein change: p.Ser724Arg; replaces serine 724 with arginine.
Molecular consequence: missense variant.
Genome position (GRCh38, 1-based): chrX:12,887,680, C>G. VCF-style: chrX-12887680-C-G. GRCh37 (hg19) VCF-style: chrX-12905799-C-G.
Other names: c.2172C>G (NM_016562.3); short protein forms S724R.
Identifiers: ClinVar variation 2004490 (VCV002004490.5), dbSNP rs775736639, ClinGen allele CA10350064.